The following is an entry in ClinVar:

ClinVar aggregate classification (germline): Uncertain significance (1 of 4 stars; one submission).

Submission:

GeneDx
Classification: Uncertain significance. Last evaluated: 2019-08-12. Review status: criteria provided, single submitter. Criteria: GeneDx Variant Classification Process June 2021. Collection method: clinical testing. Allele origin: germline. Affected: yes.
Comment: Not observed in large population cohorts (Lek et al., 2016); In silico analysis, which includes protein predictors and evolutionary conservation, supports that this variant does not alter protein structure/function; Has not been previously published as pathogenic or benign to our knowledge

NM_020919.4(ALS2):c.1964G>C (p.Gly655Ala)

Gene: ALS2 (alsin Rho guanine nucleotide exchange factor ALS2; minus strand). Cytogenetic location: 2q33.1.
Variant type: single nucleotide variant.
Coding change: c.1964G>C on transcript NM_020919.4 (MANE Select); coding-DNA position 1964, G replaced by C.
Protein change: p.Gly655Ala; replaces glycine 655 with alanine.
Molecular consequence: missense variant.
Genome position (GRCh38, 1-based): chr2:201,746,600, C>G on the plus strand (G>C on the coding strand, the complement: ALS2 is on the minus strand). VCF-style: chr2-201746600-C-G. GRCh37 (hg19) VCF-style: chr2-202611323-C-G.
Other names: short protein forms G655A.
Identifiers: ClinVar variation 1307792 (VCV001307792.2), dbSNP rs759573942, ClinGen allele CA350325345.